The following is an entry in ClinVar:

ClinVar aggregate classification (germline): Uncertain significance (1 of 4 stars; one submission).

Conditions:
Charcot-Marie-Tooth disease type 4. Also called: Charcot-Marie-Tooth disease, type IV; Charcot-Marie-Tooth, Type 4. Identifiers: Orphanet 64749, MedGen C4082197, MONDO:0018995.

Allele frequency attached by ClinVar (database versions not stated): ExAC 0.00001.
gnomAD v4.1: 5 of 1,613,894 alleles (0.00031%); highest among the groups gnomAD compares: Admixed American, 0.0083%; no homozygotes.

Submission:

Labcorp Genetics (formerly Invitae), Labcorp
Classification: Uncertain significance for Charcot-Marie-Tooth disease type 4. Last evaluated: 2022-08-12. Review status: criteria provided, single submitter. Criteria: Invitae Variant Classification Sherloc (09022015). Collection method: clinical testing. Allele origin: germline.
Comment: This sequence change replaces isoleucine, which is neutral and non-polar, with threonine, which is neutral and polar, at codon 1071 of the SH3TC2 protein (p.Ile1071Thr). In summary, the available evidence is currently insufficient to determine the role of this variant in disease. Therefore, it has been classified as a Variant of Uncertain Significance. Advanced modeling of protein sequence and biophysical properties (such as structural, functional, and spatial information, amino acid conservation, physicochemical variation, residue mobility, and thermodynamic stability) performed at Invitae indicates that this missense variant is not expected to disrupt SH3TC2 protein function. This variant has not been reported in the literature in individuals affected with SH3TC2-related conditions. This variant is present in population databases (rs752010913, gnomAD 0.009%).

NM_024577.4(SH3TC2):c.3212T>C (p.Ile1071Thr)

Gene: SH3TC2 (SH3 domain and tetratricopeptide repeats 2; minus strand). Cytogenetic location: 5q32.
Variant type: single nucleotide variant.
Coding change: c.3212T>C on transcript NM_024577.4 (MANE Select); coding-DNA position 3212, T replaced by C.
Protein change: p.Ile1071Thr; replaces isoleucine 1071 with threonine.
Molecular consequence: missense variant.
Genome position (GRCh38, 1-based): chr5:149,010,385, A>G on the plus strand (T>C on the coding strand, the complement: SH3TC2 is on the minus strand). VCF-style: chr5-149010385-A-G. GRCh37 (hg19) VCF-style: chr5-148389948-A-G.
Other names: short protein forms I1071T.
Identifiers: ClinVar variation 2040386 (VCV002040386.4), dbSNP rs752010913, ClinGen allele CA3498803.